The following is an entry in ClinVar:

NM_004722.4(AP4M1):c.607-2_607-1del

Gene: AP4M1 (adaptor related protein complex 4 subunit mu 1; plus strand). Cytogenetic location: 7q22.1.
Variant type: Deletion.
Coding change: c.607-2_607-1del on transcript NM_004722.4 (MANE Select); the canonical splice acceptor site of the intron before coding-DNA position 607, 2 bases deleted (AG; older notation c.607-2_607-1delAG).
Molecular consequence: splice acceptor variant.
Genome position (GRCh38, 1-based): chr7:100,104,872-100,104,873, AG deleted. VCF-style (leftmost placement, unchanged base first): chr7-100104871-CAG-C. GRCh37 (hg19) VCF-style: chr7-99702494-CAG-C.
Other names: c.628-2_628-1del (NM_001363671.2).
Identifiers: ClinVar variation 2008387 (VCV002008387.4), dbSNP rs2546956864, ClinGen allele CA2580076017.

ClinVar aggregate classification (germline): Likely pathogenic (1 of 4 stars; one submission).

Conditions:
Hereditary spastic paraplegia 50 (SPG50). Also called: Spastic paraplegia 50, autosomal recessive. Identifiers: Orphanet 280763, MedGen C2752008, MONDO:0013048, OMIM 612936.

Submission:

Labcorp Genetics (formerly Invitae), Labcorp
Classification: Likely pathogenic for Hereditary spastic paraplegia 50. Last evaluated: 2022-07-16. Review status: criteria provided, single submitter. Criteria: Invitae Variant Classification Sherloc (09022015). Collection method: clinical testing. Allele origin: germline.
Comment: This sequence change affects a splice site in intron 7 of the AP4M1 gene. It is expected to disrupt RNA splicing. Variants that disrupt the donor or acceptor splice site typically lead to a loss of protein function (PMID: 16199547), and loss-of-function variants in AP4M1 are known to be pathogenic (PMID: 24700674, 25496299, 25558065). This variant is not present in population databases (gnomAD no frequency). This variant has not been reported in the literature in individuals affected with AP4M1-related conditions. Algorithms developed to predict the effect of sequence changes on RNA splicing suggest that this variant may disrupt the consensus splice site. In summary, the currently available evidence indicates that the variant is pathogenic, but additional data are needed to prove that conclusively. Therefore, this variant has been classified as Likely Pathogenic.

Literature cited by the submitters: PubMed 16199547; PubMed 24700674; PubMed 25496299; PubMed 25558065.